The following is an entry in ClinVar:

ClinVar aggregate classification (germline): Likely pathogenic (1 of 4 stars; one submission).

Conditions:
Dilated cardiomyopathy 1G (CMD1G). Identifiers: Orphanet 154, MedGen C1858763, MONDO:0011400, OMIM 604145.
Autosomal recessive limb-girdle muscular dystrophy type 2J (LGMDR10). Also called: Limb-girdle muscular dystrophy, type 2J; MUSCULAR DYSTROPHY, LIMB-GIRDLE, AUTOSOMAL RECESSIVE 10. Identifiers: Orphanet 140922, MedGen C1837342, MONDO:0012127, OMIM 608807.

Submission:

Labcorp Genetics (formerly Invitae), Labcorp
Classification: Likely pathogenic for Dilated cardiomyopathy 1G; Autosomal recessive limb-girdle muscular dystrophy type 2J. Last evaluated: 2025-01-17. Review status: criteria provided, single submitter. Criteria: Invitae Variant Classification Sherloc (09022015). Collection method: clinical testing. Allele origin: germline.
Comment: This sequence change creates a premature translational stop signal (p.Pro15307Leufs*19) in the TTN gene. While this is not anticipated to result in nonsense mediated decay, it is expected to create a truncated TTN protein. This variant is not present in population databases (gnomAD no frequency). This variant has not been reported in the literature in individuals affected with TTN-related conditions. This variant is located in the I band of TTN (PMID: 25589632). Truncating variants in this region have been reported in individuals affected with autosomal recessive centronuclear myopathy (PMID: 23975875, internal data). Truncating variants in this region have also been identified in individuals affected with autosomal dominant dilated cardiomyopathy and/or cardio-related conditions (PMID: 27869827, 32964742, internal data). In summary, the currently available evidence indicates that the variant is pathogenic, but additional data are needed to prove that conclusively. Therefore, this variant has been classified as Likely Pathogenic.

Literature cited by the submitters: PubMed 25589632; PubMed 23975875; PubMed 27869827; PubMed 32964742.

NM_001267550.2(TTN):c.45920del (p.Pro15307fs)

Gene: TTN (titin; minus strand). Cytogenetic location: 2q31.2.
Variant type: Deletion.
Coding change: c.45920del on transcript NM_001267550.2 (MANE Select); coding-DNA position 45920, one base deleted (C; older notation c.45920delC).
Protein change: p.Pro15307fs; shifts the reading frame from proline 15307.
Molecular consequence: frameshift variant.
Genome position (GRCh38, 1-based): chr2:178,620,601, G deleted on the plus strand (C on the coding strand, the reverse complement: TTN is on the minus strand); the first of 2 consecutive G bases (chr2:178,620,601-178,620,602); deleting either gives the same sequence. VCF-style (leftmost placement, unchanged base first): chr2-178620600-AG-A. GRCh37 (hg19) VCF-style: chr2-179485327-AG-A.
Other names: c.40997del, p.Pro13666fs (NM_001256850.1); c.18725del, p.Pro6242fs (NM_003319.4); c.38216del, p.Pro12739fs (NM_133378.4); c.19100del, p.Pro6367fs (NM_133432.3); c.19301del, p.Pro6434fs (NM_133437.4); short protein forms P12739fs, P13666fs, P15307fs, P6242fs, P6367fs, P6434fs.
Identifiers: ClinVar variation 3748332 (VCV003748332.2).